The following is an entry in ClinVar:

ClinVar aggregate classification (germline): Uncertain significance (1 of 4 stars; one submission).

Conditions:
Exostoses, multiple, type 2 (EXT2). Also called: Hereditary Multiple Osteochondromatosis, Type II; EXOSTOSES, MULTIPLE, TYPE II. Identifiers: Orphanet 321, MedGen C1851413, MONDO:0007586, OMIM 133701.

gnomAD v4.1: 10 of 1,613,934 alleles (0.00062%); highest among the groups gnomAD compares: South Asian, 0.0033%; no homozygotes.

Submission:

Labcorp Genetics (formerly Invitae), Labcorp
Classification: Uncertain significance for Exostoses, multiple, type 2. Last evaluated: 2025-03-18. Review status: criteria provided, single submitter. Criteria: Invitae Variant Classification Sherloc (09022015). Collection method: clinical testing. Allele origin: germline.
Comment: This sequence change replaces arginine, which is basic and polar, with glutamine, which is neutral and polar, at codon 506 of the EXT2 protein (p.Arg506Gln). This variant is present in population databases (rs758812833, gnomAD 0.003%). This variant has not been reported in the literature in individuals affected with EXT2-related conditions. Invitae Evidence Modeling of protein sequence and biophysical properties (such as structural, functional, and spatial information, amino acid conservation, physicochemical variation, residue mobility, and thermodynamic stability) indicates that this missense variant is not expected to disrupt EXT2 protein function with a negative predictive value of 95%. In summary, the available evidence is currently insufficient to determine the role of this variant in disease. Therefore, it has been classified as a Variant of Uncertain Significance.

NM_207122.2(EXT2):c.1517G>A (p.Arg506Gln)

Gene: EXT2 (exostosin glycosyltransferase 2; plus strand). Cytogenetic location: 11p11.2.
Variant type: single nucleotide variant.
Coding change: c.1517G>A on transcript NM_207122.2 (MANE Select); coding-DNA position 1517, G replaced by A.
Protein change: p.Arg506Gln; replaces arginine 506 with glutamine.
Molecular consequence: missense variant.
Genome position (GRCh38, 1-based): chr11:44,206,814, G>A. VCF-style: chr11-44206814-G-A. GRCh37 (hg19) VCF-style: chr11-44228364-G-A.
Other names: c.1616G>A, p.Arg539Gln (NM_000401.3); c.1547G>A, p.Arg516Gln (NM_001178083.3); c.1517G>A, p.Arg506Gln (NM_001389628.1, NM_001389630.1); short protein forms R516Q, R506Q, R539Q.
Identifiers: ClinVar variation 3705950 (VCV003705950.2).